The following is an entry in ClinVar:

NM_001184.4(ATR):c.4766C>A (p.Thr1589Lys)

Gene: ATR (ATR checkpoint kinase; minus strand). Cytogenetic location: 3q23.
Variant type: single nucleotide variant.
Coding change: c.4766C>A on transcript NM_001184.4 (MANE Select); coding-DNA position 4766, C replaced by A.
Protein change: p.Thr1589Lys; replaces threonine 1589 with lysine.
Molecular consequence: missense variant.
Genome position (GRCh38, 1-based): chr3:142,512,346, G>T on the plus strand (C>A on the coding strand, the complement: ATR is on the minus strand). VCF-style: chr3-142512346-G-T. GRCh37 (hg19) VCF-style: chr3-142231188-G-T.
Other names: c.4574C>A, p.Thr1525Lys (NM_001354579.2); short protein forms T1525K, T1589K.
Identifiers: ClinVar variation 2447367 (VCV002447367.2), dbSNP rs1435279810, ClinGen allele CA354795383.

ClinVar aggregate classification (germline): Uncertain significance (1 of 4 stars; one submission).

Conditions:
Inborn genetic diseases. Identifiers: MedGen C0950123, MeSH D030342.

Submission:

Ambry Genetics
Classification: Uncertain significance for Inborn genetic diseases. Last evaluated: 2023-01-28. Review status: criteria provided, single submitter. Criteria: Ambry Variant Classification Scheme 2023. Collection method: clinical testing. Allele origin: germline.
Comment: The p.T1589K variant (also known as c.4766C>A), located in coding exon 27 of the ATR gene, results from a C to A substitution at nucleotide position 4766. The threonine at codon 1589 is replaced by lysine, an amino acid with similar properties. This amino acid position is conserved. In addition, this alteration is predicted to be tolerated by in silico analysis. Since supporting evidence is limited at this time, the clinical significance of this alteration remains unclear.